The following is an entry in ClinVar:

ClinVar aggregate classification (germline): Uncertain significance (1 of 4 stars; one submission).

gnomAD v4.1: 1 of 1,535,972 alleles (0.000065%); highest among the groups gnomAD compares: Non-Finnish European, 0.000087%; no homozygotes.

Submission:

CeGaT Center for Human Genetics Tuebingen
Classification: Uncertain significance. Last evaluated: 2023-09-01. Review status: criteria provided, single submitter. Criteria: CeGaT Center For Human Genetics Tuebingen Variant Classification Criteria Version 2. Collection method: clinical testing. Allele origin: germline. Affected: yes. Observed: 1 variant allele.
Comment: ZFHX2: PM2, BP4

NM_033400.3(ZFHX2):c.5792C>G (p.Pro1931Arg)

Genes: THTPA (thiamine triphosphatase; plus strand), ZFHX2 (zinc finger homeobox 2; minus strand). Cytogenetic location: 14q11.2.
Variant type: single nucleotide variant.
Coding change: c.5792C>G on transcript NM_033400.3 (MANE Select); coding-DNA position 5792, C replaced by G.
Protein change: p.Pro1931Arg; replaces proline 1931 with arginine.
Molecular consequence: missense variant.
Genome position (GRCh38, 1-based): chr14:23,524,150, G>C on the plus strand (C>G on the coding strand, the complement: ZFHX2 is on the minus strand). VCF-style: chr14-23524150-G-C. GRCh37 (hg19) VCF-style: chr14-23993359-G-C.
Other names: short protein forms P1931R.
Identifiers: ClinVar variation 2644110 (VCV002644110.24), dbSNP rs576274559, ClinGen allele CA389022519.